The following is an entry in ClinVar:

NM_001379081.2(FREM1):c.4466G>A (p.Arg1489Gln)

Gene: FREM1 (FRAS1 related extracellular matrix 1; minus strand). Cytogenetic location: 9p22.3.
Variant type: single nucleotide variant.
Coding change: c.4466G>A on transcript NM_001379081.2 (MANE Select); coding-DNA position 4466, G replaced by A.
Protein change: p.Arg1489Gln; replaces arginine 1489 with glutamine.
Molecular consequence: missense variant. On other transcripts: non-coding transcript variant (2).
Genome position (GRCh38, 1-based): chr9:14,776,180, C>T on the plus strand (G>A on the coding strand, the complement: FREM1 is on the minus strand). VCF-style: chr9-14776180-C-T. GRCh37 (hg19) VCF-style: chr9-14776178-C-T.
Other names: c.74G>A, p.Arg25Gln (NM_001177704.3, NM_001370058.2, NM_001370061.2); c.4466G>A, p.Arg1489Gln (NM_144966.7); short protein forms R1489Q, R25Q.
Identifiers: ClinVar variation 286552 (VCV000286552.18), dbSNP rs61732355, ClinGen allele CA4990158.
Genomic context (GRCh38, chr9:14,776,180, plus strand): 5'-ACCACAGGCAGGGCTCTGTCCACAGTCTCCAGTGTGATCTCAAACACCCCGTGCTCGGTC[C>T]GCAGTCCATTGCTGATGATGAATCTGGTAAAGAGAGGCAAGGCAGCCTTCAGCATGGATT-3'
Protein context (NP_001366010.1, residues 1479-1499): RFRFIISNGL[Arg1489Gln]TEHGVFEITL

ClinVar aggregate classification (germline): Benign. Review status: criteria provided, multiple submitters, no conflicts (2 of 4 stars). 5 submissions from 5 submitters: Benign (5). Last evaluated 2026-01-27.

Conditions:
Oculotrichoanal syndrome (MOTA). Also called: MARLES SYNDROME; Manitoba Oculotrichoanal (MOTA) Syndrome. Identifiers: Orphanet 2717, MedGen C1855425, MONDO:0009560, OMIM 248450.

Allele frequency attached by ClinVar (database versions not stated): 1000 Genomes Project 0.01198; 1000 Genomes Project 30x 0.01296; TOPMed 0.01419; gnomAD 0.01432 and 0.01493; ESP Exome Variant Server 0.01535; gnomAD exomes 0.01612 and 0.01916; ExAC 0.01703.
gnomAD v4.1: 28,675 of 1,532,146 alleles (1.9%); highest among the groups gnomAD compares: South Asian, 2.2%; 342 homozygotes.

Submissions (5):

Labcorp Genetics (formerly Invitae), Labcorp
Classification: Benign. Last evaluated: 2026-01-27. Review status: criteria provided, single submitter. Criteria: Invitae Variant Classification Sherloc (09022015). Collection method: clinical testing. Allele origin: germline.

Blueprint Genetics
Classification: Benign. Last evaluated: 2024-11-27. Review status: criteria provided, single submitter. Criteria: ACMG Guidelines, 2015. Collection method: clinical testing. Allele origin: germline.

Illumina Laboratory Services, Illumina
Classification: Benign for Oculotrichoanal syndrome. Last evaluated: 2018-01-12. Review status: criteria provided, single submitter. Criteria: ICSL Variant Classification Criteria 13 December 2019. Collection method: clinical testing. Allele origin: germline.
Comment: This variant was observed in the ICSL laboratory as part of a predisposition screen in an ostensibly healthy population. It had not been previously curated by ICSL or reported in the Human Gene Mutation Database (HGMD: prior to June 1st, 2018), and was therefore a candidate for classification through an automated scoring system. Utilizing variant allele frequency, disease prevalence and penetrance estimates, and inheritance mode, an automated score was calculated to assess if this variant is too frequent to cause the disease. Based on the score and internal cut-off values, a variant classified as benign is not then subjected to further curation. The score for this variant resulted in a classification of benign for this disease.

Eurofins Ntd Llc (ga)
Classification: Benign. Last evaluated: 2016-03-28. Review status: criteria provided, single submitter. Criteria: EGL Classification Definitions 2015. Collection method: clinical testing. Allele origin: germline. Observed: 1 variant allele, 1 heterozygote.

Breakthrough Genomics
Classification: Benign. Review status: criteria provided, single submitter. Criteria: ACMG Guidelines, 2015. Collection method: not provided. Allele origin: germline. Inheritance: Autosomal recessive inheritance. Affected: yes.